The following is an entry in ClinVar:

NM_001267550.2(TTN):c.101021_101022del (p.Arg33674fs)

Genes: TTN (titin; minus strand), TTN-AS1 (TTN antisense RNA 1; plus strand). Cytogenetic location: 2q31.2.
Variant type: Deletion.
Coding change: c.101021_101022del on transcript NM_001267550.2 (MANE Select); coding-DNA positions 101021 to 101022, 2 bases deleted (GA; older notation c.101021_101022delGA).
Protein change: p.Arg33674fs; shifts the reading frame from arginine 33674.
Molecular consequence: frameshift variant.
Genome position (GRCh38, 1-based): chr2:178,535,593-178,535,594, TC deleted on the plus strand (GA on the coding strand, the reverse complement: TTN is on the minus strand); deleting any 2 consecutive bases within chr2:178,535,593-178,535,595 gives the same sequence; the c. name uses the placement nearest the transcript's 3' end. VCF-style (leftmost placement, unchanged base first): chr2-178535592-ATC-A. GRCh37 (hg19) VCF-style: chr2-179400319-ATC-A.
Other names: c.96098_96099del, p.Arg32033fs (NM_001256850.1); c.73826_73827del, p.Arg24609fs (NM_003319.4); c.93317_93318del, p.Arg31106fs (NM_133378.4); c.74201_74202del, p.Arg24734fs (NM_133432.3); c.74402_74403del, p.Arg24801fs (NM_133437.4); c.101021_101022delGA (LRG_391t1); short protein forms R24734fs, R31106fs, R32033fs, R24609fs, R33674fs, R24801fs.
Identifiers: ClinVar variation 223331 (VCV000223331.1), dbSNP rs869312087, ClinGen allele CA353144.

ClinVar aggregate classification (germline): Likely pathogenic (1 of 4 stars; one submission).

Conditions:
Primary dilated cardiomyopathy (DCM). Also called: Dilated Cardiomyopathy. Identifiers: Orphanet 217604, MedGen C0007193, MeSH D002311, MONDO:0005021, HP:0001644. Inheritance: Various modes of inheritance.

Submission:

Cardiovascular Biomedical Research Unit, Royal Brompton & Harefield NHS Foundation Trust
Classification: Likely pathogenic for Primary dilated cardiomyopathy. Last evaluated: 2014-10-08. Review status: criteria provided, single submitter. Criteria: Roberts et al. 2015. Collection method: research. Allele origin: germline. Inheritance: Autosomal dominant inheritance. Affected: yes. Observed: 1 variant allele. Study: Endstage DCM.
Comment: In the seven cohorts assessed, TTNtv were found in 14% of ambulant DCM, 22% end-stage or familial DCM, and 2% controls. Heterozygous nonsense, frameshift and canonical splice-disrupting variants found in constitutive and other highly utilised exons are highly likely to be pathogenic when identified in individuals with phenotypically confirmed DCM. TTNtv found incidentally in healthy individuals (excluding familial assessment of DCM relatives) are thought to have low penetrance, particularly when identified in exons that are not constitutively expressed in the heart.